The following is an entry in ClinVar:

ClinVar aggregate classification (germline): Pathogenic/Likely pathogenic. Review status: criteria provided, multiple submitters, no conflicts (2 of 4 stars). 9 submissions from 9 submitters: Pathogenic (4); Likely pathogenic (2). 3 of the submissions do not count toward it. Last evaluated 2026-01-26.

Conditions:
Inborn genetic diseases. Identifiers: MedGen C0950123, MeSH D030342.
Arthrogryposis, distal, type 1A. Also called: ARTHROGRYPOSIS MULTIPLEX CONGENITA, DISTAL, TYPE I. Identifiers: Orphanet 1146, MedGen C6022280, MONDO:0007157, OMIM 108120.
Congenital myopathy 23 (CMYO23). Also called: Nemaline myopathy 4, autosomal dominant; NEMALINE MYOPATHY 4; CAP MYOPATHY 2. Identifiers: MedGen C1836447, MONDO:0012240, OMIM 609285.

Allele frequency attached by ClinVar (database versions not stated): gnomAD 0.00001.
gnomAD v4.1: 1 of 1,614,100 alleles (0.000062%); highest among the groups gnomAD compares: Middle Eastern, 0.016%; no homozygotes.

Submissions (9):

3billion
Classification: Likely pathogenic for Congenital myopathy 23. Last evaluated: 2026-01-26. Review status: criteria provided, single submitter. Criteria: ACMG Guidelines, 2015. Collection method: clinical testing. Allele origin: germline. Affected: yes.
Comment: The variant is observed at an extremely low frequency in the gnomAD v4.1.0 dataset (total allele frequency: <0.001%). Predicted Consequence/Location: Missense variant In silico tool predictions suggest damaging effect of the variant on gene or gene product [REVEL: 0.91 (>=0.6, sensitivity 0.68 and specificity 0.92); 3Cnet: 0.85 (> 0.75, sensitivity 0.96 and precision 0.92)]. The same nucleotide change resulting in the same amino acid change has been previously reported as pathogenic/likely pathogenic with strong evidence (ClinVar ID: VCV000012462 /PMID: 11738357). Therefore, this variant is classified as Likely pathogenic according to the recommendation of ACMG/AMP guideline.

Ambry Genetics
Classification: Pathogenic for Inborn genetic diseases. Last evaluated: 2025-03-28. Review status: criteria provided, single submitter. Criteria: Ambry Variant Classification Scheme 2023. Collection method: clinical testing. Allele origin: germline.
Comment: The c.349G>A (p.E117K) alteration is located in exon 3 (coding exon 3) of the TPM2 gene. This alteration results from a G to A substitution at nucleotide position 349, causing the glutamic acid (E) at amino acid position 117 to be replaced by a lysine (K). for autosomal dominant TPM2-related myopathy; however, its clinical significance for autosomal recessive TPM2-related myopathy is uncertain. This variant was not reported in population-based cohorts in the Genome Aggregation Database (gnomAD). This variant was reported as heterozygous in individuals with features consistent with autosomal dominant TPM2-related myopathy; in at least one individual, it was determined to be de novo (Donner, 2002; Marttila, 2014; Anandan, 2018; DECIPHER 305508). This amino acid position is highly conserved in available vertebrate species. This missense alteration is located in a region that has a low rate of benign missense variation (Lek, 2016; Firth, 2009). In an assay testing TPM2 function, this variant showed a functionally abnormal result (Marttila, 2012). This alteration is predicted to be deleterious by in silico analysis. Based on the available evidence, this alteration is classified as pathogenic.

GeneDx
Classification: Pathogenic. Last evaluated: 2025-03-10. Review status: criteria provided, single submitter. Criteria: GeneDx Variant Classification Process June 2021. Collection method: clinical testing. Allele origin: germline. Affected: yes.
Comment: Published functional studies demonstrate a damaging effect showing the variant to significantly inhibit formation of strong binding actomyosin disruptive to the ATPase cycle, impaired activation of contractility, and reduction in thin filament activation (PMID: 22084935, 23689010, 24657080); Not observed at significant frequency in large population cohorts (gnomAD); Missense variants in this gene are a common cause of disease and they are underrepresented in the general population; In silico analysis supports that this missense variant has a deleterious effect on protein structure/function; This variant is associated with the following publications: (PMID: 24657080, 23689010, 31321302, 24692096, 22084935, 11738357, 33057194, 35982159)

Clinical Genetics Laboratory, Skane University Hospital Lund
Classification: Likely pathogenic. Last evaluated: 2022-05-27. Review status: criteria provided, single submitter. Criteria: ACMG Guidelines, 2015. Collection method: clinical testing. Allele origin: germline. Affected: yes.

Labcorp Genetics (formerly Invitae), Labcorp
Classification: Pathogenic for Digitotalar dysmorphism. Last evaluated: 2022-03-18. Review status: criteria provided, single submitter. Criteria: Invitae Variant Classification Sherloc (09022015). Collection method: clinical testing. Allele origin: germline.
Comment: This missense change has been observed in individual(s) with congenital fiber type disproportion (CFTD), distal arthrogryposis (DA) and nemaline myopathy (NM) (PMID: 11738357, 24692096). In at least one individual the variant was observed to be de novo. This variant is not present in population databases (gnomAD no frequency). This sequence change replaces glutamic acid, which is acidic and polar, with lysine, which is basic and polar, at codon 117 of the TPM2 protein (p.Glu117Lys). For these reasons, this variant has been classified as Pathogenic. Experimental studies have shown that this missense change affects TPM2 function (PMID: 22084935, 23689010, 23886664, 24657080). Algorithms developed to predict the effect of missense changes on protein structure and function are either unavailable or do not agree on the potential impact of this missense change (SIFT: "Tolerated"; PolyPhen-2: "Possibly Damaging"; Align-GVGD: "Class C0"). ClinVar contains an entry for this variant (Variation ID: 12462).

Eurofins Ntd Llc (ga)
Classification: Pathogenic. Last evaluated: 2017-05-17. Review status: criteria provided, single submitter. Criteria: EGL Classification Definitions 2015. Collection method: clinical testing. Allele origin: germline. Observed: 1 variant allele, 1 heterozygote.

OMIM
Classification: Pathogenic for CONGENITAL MYOPATHY 23. Last evaluated: 2002-02-01. Review status: no assertion criteria provided. Collection method: literature only. Allele origin: germline. Not counted in ClinVar's aggregate classification.

GeneReviews
No classification provided. Condition: Congenital myopathy 23. Review status: no classification provided. Collection method: literature only. Allele origin: unknown. Not counted in ClinVar's aggregate classification.

TPM2 homepage - Leiden Muscular Dystrophy pages
No classification provided. Review status: no classification provided. Collection method: not provided. Allele origin: de novo, germline. Not counted in ClinVar's aggregate classification.

Literature cited by the submitters: PubMed 11738357 (cited by 4 submitters); PubMed 22084935 (cited by Ambry Genetics and Labcorp Genetics (formerly Invitae), Labcorp); PubMed 24692096 (cited by Ambry Genetics and Labcorp Genetics (formerly Invitae), Labcorp); PubMed 28881016 (cited by Ambry Genetics); PubMed 23689010 (cited by Labcorp Genetics (formerly Invitae), Labcorp); PubMed 23886664 (cited by Labcorp Genetics (formerly Invitae), Labcorp); PubMed 24657080 (cited by Labcorp Genetics (formerly Invitae), Labcorp); PubMed 18789687 (cited by GeneReviews); PubMed 20301436 (cited by GeneReviews); NCBI Bookshelf NBK1259 (cited by GeneReviews).

NM_003289.4(TPM2):c.349G>A (p.Glu117Lys)

Gene: TPM2 (tropomyosin 2; minus strand). Cytogenetic location: 9p13.3.
Variant type: single nucleotide variant.
Coding change: c.349G>A on transcript NM_003289.4 (MANE Select); coding-DNA position 349, G replaced by A.
Protein change: p.Glu117Lys; replaces glutamic acid 117 with lysine.
Molecular consequence: missense variant.
Genome position (GRCh38, 1-based): chr9:35,685,672, C>T on the plus strand (G>A on the coding strand, the complement: TPM2 is on the minus strand). VCF-style: chr9-35685672-C-T. GRCh37 (hg19) VCF-style: chr9-35685669-C-T.
Other names: c.349G>A, p.Glu117Lys (NM_001301226.2, NM_001301227.2, NM_213674.1); short protein forms E117K.
Identifiers: ClinVar variation 12462 (VCV000012462.23), dbSNP rs104894129, ClinGen allele CA232643.